The following is an entry in ClinVar:

NM_000523.4(HOXD13):c.204delinsAGCGGCGGCGGCA (p.Ala71_Ser72insAlaAlaAlaAla)

Gene: HOXD13 (homeobox D13; plus strand). Cytogenetic location: 2q31.1.
Variant type: Indel.
Coding change: c.204delinsAGCGGCGGCGGCA on transcript NM_000523.4 (MANE Select); coding-DNA position 204, G replaced by AGCGGCGGCGGCA.
Protein change: p.Ala71_Ser72insAlaAlaAlaAla.
Molecular consequence: inframe insertion.
Genome position (GRCh38, 1-based): chr2:176,093,094, G replaced by AGCGGCGGCGGCA. VCF-style: chr2-176093094-G-AGCGGCGGCGGCA. GRCh37 (hg19) VCF-style: chr2-176957822-G-AGCGGCGGCGGCA.
Identifiers: ClinVar variation 3346691 (VCV003346691.1).

ClinVar aggregate classification (germline): Uncertain significance (0 of 4 stars; one submission).

Conditions:
HOXD13-related disorder. Also called: HOXD13-related condition; HOXD13-related disorders.

Submission:

PreventionGenetics, part of Exact Sciences
Classification: Uncertain significance for HOXD13-related condition. Last evaluated: 2024-07-05. Review status: no assertion criteria provided. Collection method: clinical testing. Allele origin: germline.
Comment: The HOXD13 c.204delinsAGCGGCGGCGGCA variant is predicted to result in an in-frame deletion and insertion. To our knowledge, this variant has not been reported in the literature or in a large population database, indicating this variant is rare. At this time, the clinical significance of this variant is uncertain due to the absence of conclusive functional and genetic evidence.